The following is an entry in ClinVar:

NM_001018115.3(FANCD2):c.1868A>C (p.Gln623Pro)

Genes: FANCD2 (FA complementation group D2; plus strand), LOC107303338 (3p25 FANCD2 Alu-mediated recombination region; plus strand). Cytogenetic location: 3p25.3.
Variant type: single nucleotide variant.
Coding change: c.1868A>C on transcript NM_001018115.3 (MANE Select); coding-DNA position 1868, A replaced by C.
Protein change: p.Gln623Pro; replaces glutamine 623 with proline.
Molecular consequence: missense variant.
Genome position (GRCh38, 1-based): chr3:10,063,832, A>C. VCF-style: chr3-10063832-A-C. GRCh37 (hg19) VCF-style: chr3-10105516-A-C.
Other names: NP_001018125.1:p.Gln623Pro; c.1868A>C, p.Gln623Pro (NM_001319984.2, NM_001374254.1, NM_033084.6); c.1757A>C, p.Gln586Pro (NM_001374253.1); c.1868A>C (NM_033084.4, NM_001018115.2); short protein forms Q623P, Q586P.
Identifiers: ClinVar variation 134314 (VCV000134314.34), dbSNP rs36070315, ClinGen allele CA159443.

ClinVar aggregate classification (germline): Benign/Likely benign. Review status: criteria provided, multiple submitters, no conflicts (2 of 4 stars). 14 submissions from 14 submitters: Benign (8); Likely benign (2). 4 of the submissions do not count toward it. Last evaluated 2026-02-04.

Conditions:
FANCD2-related disorder. Also called: FANCD2-related condition.
Hereditary cancer-predisposing syndrome. Also called: Neoplastic Syndromes, Hereditary; Hereditary Cancer Syndrome; Tumor predisposition; Hereditary neoplastic syndrome. Identifiers: Orphanet 140162, MedGen C0027672, MeSH D009386, MONDO:0015356.
Hereditary breast ovarian cancer syndrome. Also called: BRCA1- and BRCA2-Associated Hereditary Breast and Ovarian Cancer; Hereditary breast and ovarian cancer; Hereditary breast and ovarian cancer syndrome; Hereditary breast and ovarian cancer syndrome (HBOC); Hereditary breast and/or ovarian cancer syndrome; Breast and ovarian cancer. Identifiers: Orphanet 145, MedGen C0677776, MeSH D061325, MONDO:0003582. Disease mechanism: loss of function.
Fanconi anemia (FA). Also called: Fanconi's anemia. Identifiers: Orphanet 84, MedGen C0015625, MeSH D005199, MONDO:0019391.
Fanconi anemia complementation group D2. Also called: FANCONI PANCYTOPENIA, TYPE 4; FANCONI ANEMIA, COMPLEMENTATION GROUP D; FANCD2-Related Fanconi Anemia. Identifiers: Orphanet 84, MedGen C3160738, MONDO:0009214, OMIM 227646.
Fanconi anemia complementation group A (FANCA). Also called: Fanconi anemia, group A; FANCA-Related Fanconi Anemia. Identifiers: Orphanet 84, MedGen C3469521, MONDO:0009215, OMIM 227650.

Allele frequency attached by ClinVar (database versions not stated): 1000 Genomes Project 30x 0.02717; gnomAD exomes 0.00548 and 0.00204; gnomAD 0.02293 and 0.02463; ESP Exome Variant Server 0.02823; ExAC 0.00684; TOPMed 0.02685.
gnomAD v4.1: 6,617 of 1,614,084 alleles (0.41%); highest among the groups gnomAD compares: African/African-American, 7.8%; 141 homozygotes.

Submissions (14):

Labcorp Genetics (formerly Invitae), Labcorp
Classification: Benign for Fanconi anemia. Last evaluated: 2026-02-04. Review status: criteria provided, single submitter. Criteria: Invitae Variant Classification Sherloc (09022015). Collection method: clinical testing. Allele origin: germline.

Dasa
Classification: Benign. Last evaluated: 2025-11-21. Review status: criteria provided, single submitter. Criteria: DASA Assertion Criteria. Collection method: clinical testing. Allele origin: germline.
Comment: NM_001018115.3(FANCD2):c.1868A>C (p.Gln623Pro) is a missense variant that results in the substitution of glutamine with proline. Population frequency is inconsistent with a disease-causing role for this variant, and observations in unaffected individuals support a benign interpretation. Therefore, based on the currently available evidence, this variant is classified as benign.

Molecular Diagnostics Laboratory, Catalan Institute of Oncology
Classification: Benign for Hereditary cancer-predisposing syndrome. Last evaluated: 2025-03-25. Review status: criteria provided, single submitter. Criteria: ACMG Guidelines, 2015. Collection method: clinical testing. Allele origin: germline.
Comment: BA1, BP4_Moderate c.1868A>C located in exon 21 of the FANCD2 gene, is predicted to result in the substitution of glutamine by proline at codon 623, p.(Gln623Pro). The variant allele was found in 1822/23564 alleles (25 homoizygotes), with a filter allele frequency of 7.3% at 99% confidence, within the African population in the gnomAD v2.1.1 database (non-cancer data set)(BA1). The SpliceAI algorithm predicts no significant impact on splicing and the REVEL meta-predictor score for this variant (0.163) suggests that it does not affect the protein function according to Pejaver 2022 thresholds (PMID: 36413997)(BP4_Moderate). This variant has been identified in the ClinVar database (3x likely benign, 8x benign) but has not been identified in the LOVD database. Based on currently available information, the variant c.1868A>C is classified as a benign variant according ACMG guidelines.

KCCC/NGS Laboratory, Kuwait Cancer Control Center
Classification: Benign for Fanconi anemia complementation group D2. Last evaluated: 2023-07-07. Review status: criteria provided, single submitter. Criteria: ACMG Guidelines, 2015. Collection method: clinical testing. Allele origin: germline. Affected: yes.

National Health Laboratory Service, Universitas Academic Hospital and University of the Free State
Classification: Benign for Hereditary breast ovarian cancer syndrome. Last evaluated: 2022-04-19. Review status: criteria provided, single submitter. Criteria: ACMG Guidelines, 2015. Collection method: clinical testing. Allele origin: germline. Affected: yes. Observed: 1 variant allele.

Mendelics
Classification: Likely benign for Fanconi anemia complementation group A. Last evaluated: 2019-05-28. Review status: criteria provided, single submitter. Criteria: Mendelics Assertion Criteria 2017. Collection method: clinical testing. Allele origin: unknown.

GeneDx
Classification: Benign. Last evaluated: 2019-04-03. Review status: criteria provided, single submitter. Criteria: GeneDx Variant Classification Process June 2021. Collection method: clinical testing. Allele origin: germline. Affected: yes.

Illumina Laboratory Services, Illumina
Classification: Benign for Fanconi anemia complementation group D2. Last evaluated: 2018-01-12. Review status: criteria provided, single submitter. Criteria: ICSL Variant Classification Criteria 13 December 2019. Collection method: clinical testing. Allele origin: germline.
Comment: This variant was observed in the ICSL laboratory as part of a predisposition screen in an ostensibly healthy population. It had not been previously curated by ICSL or reported in the Human Gene Mutation Database (HGMD: prior to June 1st, 2018), and was therefore a candidate for classification through an automated scoring system. Utilizing variant allele frequency, disease prevalence and penetrance estimates, and inheritance mode, an automated score was calculated to assess if this variant is too frequent to cause the disease. Based on the score and internal cut-off values, a variant classified as benign is not then subjected to further curation. The score for this variant resulted in a classification of benign for this disease.

ARUP Laboratories, Molecular Genetics and Genomics, ARUP Laboratories
Classification: Benign. Last evaluated: 2017-03-29. Review status: criteria provided, single submitter. Criteria: ARUP Molecular Germline Variant Investigation Process. Collection method: clinical testing. Allele origin: germline.

Breakthrough Genomics
Classification: Likely benign. Review status: criteria provided, single submitter. Criteria: ACMG Guidelines, 2015. Collection method: not provided. Allele origin: germline. Inheritance: Autosomal recessive inheritance. Affected: yes.

PreventionGenetics, part of Exact Sciences
Classification: Benign for FANCD2-related condition. Last evaluated: 2024-06-16. Review status: no assertion criteria provided. Collection method: clinical testing. Allele origin: germline. Not counted in ClinVar's aggregate classification.
Comment: This variant is classified as benign based on ACMG/AMP sequence variant interpretation guidelines (Richards et al. 2015 PMID: 25741868, with internal and published modifications).

ITMI
No classification provided. Condition: AllHighlyPenetrant. Last evaluated: 2013-09-19. Review status: no classification provided. Collection method: reference population. Allele origin: germline. Not counted in ClinVar's aggregate classification.
Comment: Please see associated publication for description of ethnicities

Genome Diagnostics Laboratory, Amsterdam University Medical Center
Classification: Benign. Review status: no assertion criteria provided. Collection method: clinical testing. Allele origin: germline. Affected: yes. Study: VKGL Data-share Consensus. Not counted in ClinVar's aggregate classification.

Laboratory of Diagnostic Genome Analysis, Leiden University Medical Center (LUMC)
Classification: Likely benign. Review status: no assertion criteria provided. Collection method: clinical testing. Allele origin: germline. Affected: yes. Study: VKGL Data-share Consensus. Not counted in ClinVar's aggregate classification.

Literature cited by the submitters: PubMed 24728327 (cited by ITMI).